The following is an entry in ClinVar:

NM_012123.4(MTO1):c.1756+2T>C

Gene: MTO1 (mitochondrial tRNA translation optimization 1; plus strand). Cytogenetic location: 6q13.
Variant type: single nucleotide variant.
Coding change: c.1756+2T>C on transcript NM_012123.4 (MANE Select); the canonical splice donor site of the intron after coding-DNA position 1756, T replaced by C.
Molecular consequence: splice donor variant.
Genome position (GRCh38, 1-based): chr6:73,492,354, T>C. VCF-style: chr6-73492354-T-C. GRCh37 (hg19) VCF-style: chr6-74202077-T-C.
Other names: c.1831+2T>C (NM_133645.3); c.1876+2T>C (NM_001123226.2).
Identifiers: ClinVar variation 2038148 (VCV002038148.4), dbSNP rs1368119296, ClinGen allele CA364700351.

ClinVar aggregate classification (germline): Likely pathogenic (1 of 4 stars; one submission).

Conditions:
Mitochondrial hypertrophic cardiomyopathy with lactic acidosis due to MTO1 deficiency. Also called: Combined oxidative phosphorylation deficiency 10; CARDIOMYOPATHY, INFANTILE HYPERTROPHIC MITOCHONDRIAL, AND LACTIC ACIDOSIS. Identifiers: Orphanet 314637, MedGen C4749921, MONDO:0013865, OMIM 614702.

Allele frequency attached by ClinVar (database versions not stated): gnomAD exomes below 0.00001.
gnomAD v4.1: 1 of 1,583,422 alleles (0.000063%); highest among the groups gnomAD compares: Non-Finnish European, 0.000087%; no homozygotes.

Submission:

Labcorp Genetics (formerly Invitae), Labcorp
Classification: Likely pathogenic for Mitochondrial hypertrophic cardiomyopathy with lactic acidosis due to MTO1 deficiency. Last evaluated: 2025-07-30. Review status: criteria provided, single submitter. Criteria: Invitae Variant Classification Sherloc (09022015). Collection method: clinical testing. Allele origin: germline.
Comment: This sequence change affects a donor splice site in intron 10 of the MTO1 gene. It is expected to disrupt RNA splicing. Variants that disrupt the donor or acceptor splice site typically lead to a loss of protein function (PMID: 16199547), and loss-of-function variants in MTO1 are known to be pathogenic (PMID: 22608499, 25058219). This variant is not present in population databases (gnomAD no frequency). This variant has not been reported in the literature in individuals affected with MTO1-related conditions. ClinVar contains an entry for this variant (Variation ID: 2038148). Algorithms developed to predict the effect of sequence changes on RNA splicing suggest that this variant may disrupt the consensus splice site. In summary, the currently available evidence indicates that the variant is pathogenic, but additional data are needed to prove that conclusively. Therefore, this variant has been classified as Likely Pathogenic.

Literature cited by the submitters: PubMed 16199547; PubMed 22608499; PubMed 25058219.